The following is an entry in ClinVar:

NM_018676.4(THSD1):c.1905C>T (p.Ser635=)

Gene: THSD1 (thrombospondin type 1 domain containing 1; minus strand). Cytogenetic location: 13q14.3.
Variant type: single nucleotide variant.
Coding change: c.1905C>T on transcript NM_018676.4 (MANE Select); coding-DNA position 1905, C replaced by T.
Protein change: p.Ser635=; no amino-acid change (serine 635 retained).
Molecular consequence: synonymous variant.
Genome position (GRCh38, 1-based): chr13:52,378,065, G>A on the plus strand (C>T on the coding strand, the complement: THSD1 is on the minus strand). VCF-style: chr13-52378065-G-A. GRCh37 (hg19) VCF-style: chr13-52952200-G-A.
Other names: c.1746C>T, p.Ser582= (NM_199263.3).
Identifiers: ClinVar variation 4872518 (VCV004872518.2).
Genomic context (GRCh38, chr13:52,378,065, plus strand): 5'-ACTCGCTGTCCTCCTGAAATGGGCGTTCCTGGCATGGCTCCTTTCGGACGGGCCCCCTCT[G>A]CTGCCCACGTGCCTTGCCTGTGACTTGCGGATCAGAGTCTGGCTGGGGCTTATGGCACAA-3'
Protein context (NP_061146.1, residues 625-645): IRKSQARHVG[Ser635=]RGGPSERSHA

ClinVar aggregate classification (germline): Likely benign (1 of 4 stars; one submission).

gnomAD v4.1: 226 of 1,614,044 alleles (0.014%); highest among the groups gnomAD compares: East Asian, 0.14%; 5 homozygotes.

Submission:

CeGaT Center for Human Genetics Tuebingen
Classification: Likely benign. Last evaluated: 2026-06-01. Review status: criteria provided, single submitter. Criteria: CeGaT Center For Human Genetics Tuebingen Variant Classification Criteria Version 2. Collection method: clinical testing. Allele origin: germline. Affected: yes. Observed: 1 variant allele.
Comment: THSD1: BP4, BP7